The following is an entry in ClinVar:

ClinVar aggregate classification (germline): Uncertain significance. Review status: criteria provided, multiple submitters, no conflicts (2 of 4 stars). 4 submissions from 4 submitters: Uncertain significance (4). Last evaluated 2025-12-11.

Conditions:
SETD5-related disorder. Also called: SETD5-related disorders; SETD5-related condition.
Inborn genetic diseases. Identifiers: MedGen C0950123, MeSH D030342.

gnomAD v4.1: 3 of 1,610,032 alleles (0.00019%); highest among the groups gnomAD compares: Admixed American, 0.0034%; no homozygotes.

Submissions (4):

Ambry Genetics
Classification: Uncertain significance for Inborn genetic diseases. Last evaluated: 2025-12-11. Review status: criteria provided, single submitter. Criteria: Ambry Variant Classification Scheme 2023. Collection method: clinical testing. Allele origin: germline.

Labcorp Genetics (formerly Invitae), Labcorp
Classification: Uncertain significance. Last evaluated: 2025-10-27. Review status: criteria provided, single submitter. Criteria: Invitae Variant Classification Sherloc (09022015). Collection method: clinical testing. Allele origin: germline.
Comment: This sequence change replaces threonine, which is neutral and polar, with isoleucine, which is neutral and non-polar, at codon 803 of the SETD5 protein (p.Thr803Ile). This variant is not present in population databases (gnomAD no frequency). This variant has not been reported in the literature in individuals affected with SETD5-related conditions. ClinVar contains an entry for this variant (Variation ID: 1803509). Invitae Evidence Modeling of protein sequence and biophysical properties (such as structural, functional, and spatial information, amino acid conservation, physicochemical variation, residue mobility, and thermodynamic stability) indicates that this missense variant is not expected to disrupt SETD5 protein function with a negative predictive value of 80%. In summary, the available evidence is currently insufficient to determine the role of this variant in disease. Therefore, it has been classified as a Variant of Uncertain Significance.

PreventionGenetics, part of Exact Sciences
Classification: Uncertain significance for SETD5-related condition. Last evaluated: 2025-08-07. Review status: criteria provided, single submitter. Criteria: ACMG Guidelines, 2015. Collection method: clinical testing. Allele origin: germline.
Comment: The SETD5 c.2408C>T variant is predicted to result in the amino acid substitution p.Thr803Ile. To our knowledge, this variant has not been reported in the literature or in a large population database (gnomAD), indicating this variant is rare. At this time, the clinical significance of this variant is uncertain due to the absence of conclusive functional and genetic evidence.

GeneDx
Classification: Uncertain significance. Last evaluated: 2022-11-21. Review status: criteria provided, single submitter. Criteria: GeneDx Variant Classification Process June 2021. Collection method: clinical testing. Allele origin: germline. Affected: yes.
Comment: Has not been previously published as pathogenic or benign to our knowledge; In silico analysis supports that this missense variant does not alter protein structure/function; Not observed at significant frequency in large population cohorts (gnomAD)

NM_001080517.3(SETD5):c.2408C>T (p.Thr803Ile)

Gene: SETD5 (SET domain containing 5; plus strand). Cytogenetic location: 3p25.3.
Variant type: single nucleotide variant.
Coding change: c.2408C>T on transcript NM_001080517.3 (MANE Select); coding-DNA position 2408, C replaced by T.
Protein change: p.Thr803Ile; replaces threonine 803 with isoleucine.
Molecular consequence: missense variant.
Genome position (GRCh38, 1-based): chr3:9,453,800, C>T. VCF-style: chr3-9453800-C-T. GRCh37 (hg19) VCF-style: chr3-9495484-C-T.
Other names: c.2114C>T, p.Thr705Ile (NM_001292043.2, NM_001349451.2); c.2408C>T (NM_001080517.2); short protein forms T705I, T803I.
Identifiers: ClinVar variation 1803509 (VCV001803509.5), dbSNP rs1035641407, ClinGen allele CA69967820.